The following is an entry in ClinVar:

ClinVar aggregate classification (germline): Uncertain significance (1 of 4 stars; one submission).

gnomAD v4.1: 5 of 1,614,086 alleles (0.00031%); highest among the groups gnomAD compares: Non-Finnish European, 0.00042%; no homozygotes.

Submission:

Labcorp Genetics (formerly Invitae), Labcorp
Classification: Uncertain significance. Last evaluated: 2025-11-04. Review status: criteria provided, single submitter. Criteria: Invitae Variant Classification Sherloc (09022015). Collection method: clinical testing. Allele origin: germline.
Comment: This sequence change replaces glutamine, which is neutral and polar, with lysine, which is basic and polar, at codon 568 of the NCSTN protein (p.Gln568Lys). This variant is present in population databases (rs756413909, gnomAD 0.002%). This variant has not been reported in the literature in individuals affected with NCSTN-related conditions. Invitae Evidence Modeling of protein sequence and biophysical properties (such as structural, functional, and spatial information, amino acid conservation, physicochemical variation, residue mobility, and thermodynamic stability) indicates that this missense variant is not expected to disrupt NCSTN protein function with a negative predictive value of 80%. In summary, the available evidence is currently insufficient to determine the role of this variant in disease. Therefore, it has been classified as a Variant of Uncertain Significance.

NM_015331.3(NCSTN):c.1702C>A (p.Gln568Lys)

Gene: NCSTN (nicastrin; plus strand). Cytogenetic location: 1q23.2.
Variant type: single nucleotide variant.
Coding change: c.1702C>A on transcript NM_015331.3 (MANE Select); coding-DNA position 1702, C replaced by A.
Protein change: p.Gln568Lys; replaces glutamine 568 with lysine.
Molecular consequence: missense variant.
Genome position (GRCh38, 1-based): chr1:160,356,662, C>A. VCF-style: chr1-160356662-C-A. GRCh37 (hg19) VCF-style: chr1-160326452-C-A.
Other names: c.1642C>A, p.Gln548Lys (NM_001290184.2); c.1288C>A, p.Gln430Lys (NM_001290186.2); c.1702C>A, p.Gln568Lys (NM_001349729.2); short protein forms Q548K, Q568K, Q430K.
Identifiers: ClinVar variation 4775042 (VCV004775042.1).